The following is an entry in ClinVar:

ClinVar aggregate classification (germline): Uncertain significance (1 of 4 stars; one submission).

Submission:

Labcorp Genetics (formerly Invitae), Labcorp
Classification: Uncertain significance. Last evaluated: 2024-10-22. Review status: criteria provided, single submitter. Criteria: Invitae Variant Classification Sherloc (09022015). Collection method: clinical testing. Allele origin: germline.
Comment: This sequence change replaces methionine, which is neutral and non-polar, with valine, which is neutral and non-polar, at codon 3 of the IL18BP protein (p.Met3Val). This variant is not present in population databases (gnomAD no frequency). This variant has not been reported in the literature in individuals affected with IL18BP-related conditions. An algorithm developed to predict the effect of missense changes on protein structure and function outputs the following: PolyPhen-2: "Benign". The valine amino acid residue is found in multiple mammalian species, which suggests that this missense change does not adversely affect protein function. In summary, the available evidence is currently insufficient to determine the role of this variant in disease. Therefore, it has been classified as a Variant of Uncertain Significance.

NM_001039660.2(IL18BP):c.7A>G (p.Met3Val)

Gene: IL18BP (interleukin 18 binding protein; plus strand). Cytogenetic location: 11q13.4.
Variant type: single nucleotide variant.
Coding change: c.7A>G on transcript NM_001039660.2 (MANE Select); coding-DNA position 7, A replaced by G.
Protein change: p.Met3Val; replaces methionine 3 with valine.
Molecular consequence: missense variant.
Genome position (GRCh38, 1-based): chr11:71,999,991, A>G. VCF-style: chr11-71999991-A-G. GRCh37 (hg19) VCF-style: chr11-71711037-A-G.
Other names: c.7A>G, p.Met3Val (NM_001039659.2, NM_001145055.1, NM_001145057.1 and 3 more transcripts); short protein forms M3V.
Identifiers: ClinVar variation 2804421 (VCV002804421.3), dbSNP rs2495818285, ClinGen allele CA381717963.